The following is an entry in ClinVar:

NM_001807.6(CEL):c.2178C>G (p.Pro726=)

Gene: CEL (carboxyl ester lipase; plus strand). Cytogenetic location: 9q34.13.
Variant type: single nucleotide variant.
Coding change: c.2178C>G on transcript NM_001807.6 (MANE Select); coding-DNA position 2178, C replaced by G.
Protein change: p.Pro726=; no amino-acid change (proline 726 retained).
Molecular consequence: synonymous variant.
Genome position (GRCh38, 1-based): chr9:133,071,680, C>G. VCF-style: chr9-133071680-C-G. GRCh37 (hg19) VCF-style: chr9-135947067-C-G.
Other names: c.2187C>G (NM_001807.3).
Identifiers: ClinVar variation 2659687 (VCV002659687.25), dbSNP rs201677122, ClinGen allele CA5303684.

ClinVar aggregate classification (germline): Likely benign. Review status: criteria provided, multiple submitters, no conflicts (2 of 4 stars). 2 submissions from 2 submitters: Likely benign (2). Last evaluated 2026-05-01.

Conditions:
Inborn genetic diseases. Identifiers: MedGen C0950123, MeSH D030342.

Allele frequency attached by ClinVar (database versions not stated): 1000 Genomes Project 0.00080.

Submissions (2):

CeGaT Center for Human Genetics Tuebingen
Classification: Likely benign. Last evaluated: 2026-05-01. Review status: criteria provided, single submitter. Criteria: CeGaT Center For Human Genetics Tuebingen Variant Classification Criteria Version 2. Collection method: clinical testing. Allele origin: germline. Affected: yes. Observed: 7 variant alleles.
Comment: CEL: BP4, BP7

Ambry Genetics
Classification: Likely benign for Inborn genetic diseases. Last evaluated: 2024-05-10. Review status: criteria provided, single submitter. Criteria: Ambry Variant Classification Scheme 2023. Collection method: clinical testing. Allele origin: germline.